The following is an entry in ClinVar:

ClinVar aggregate classification (germline): Uncertain significance. Review status: criteria provided, single submitter (1 of 4 stars). 3 submissions from 3 submitters: Uncertain significance (1). 2 of the submissions do not count toward it. Last evaluated 2018-10-15.

Conditions:
Combined oxidative phosphorylation deficiency 35 (COXPD35). Identifiers: MedGen C4693466, MONDO:0054742, OMIM 617873.
TRIT1 Deficiency.

Allele frequency attached by ClinVar (database versions not stated): ExAC 0.00005; gnomAD 0.00005; gnomAD exomes 0.00006 and 0.00009; TOPMed 0.00006.
gnomAD v4.1: 145 of 1,613,096 alleles (0.009%); highest among the groups gnomAD compares: Non-Finnish European, 0.011%; no homozygotes.

Submissions (3):

SIB Swiss Institute of Bioinformatics
Classification: Uncertain significance for Combined oxidative phosphorylation deficiency 35. Last evaluated: 2018-10-15. Review status: criteria provided, single submitter. Criteria: ACMG Guidelines, 2015. Collection method: curation. Allele origin: unknown.
Comment: This variant is interpreted as Uncertain Significance - Insufficient Evidence, for Combined oxidative phosphorylation deficiency 35, autosomal recessive. The following ACMG Tag(s) were applied: PM2 => Absent from controls (or at extremely low frequency if recessive) in Exome Sequencing Project, 1000 Genomes Project, or Exome Aggregation Consortium. PP3 => Multiple lines of computational evidence support a deleterious effect on the gene or gene product.

OMIM
Classification: Pathogenic for COMBINED OXIDATIVE PHOSPHORYLATION DEFICIENCY 35. Last evaluated: 2018-02-16. Review status: no assertion criteria provided. Collection method: literature only. Allele origin: germline. Not counted in ClinVar's aggregate classification.

Care4Rare-SOLVE, CHEO
Classification: Uncertain significance for TRIT1 Deficiency. Review status: no assertion criteria provided. Collection method: research. Allele origin: inherited. Affected: yes. Observed: 2 variant alleles. Study: Care4Rare. Not counted in ClinVar's aggregate classification.
Comment: This variant was seen in a heterozygous state with c.848T>G and c.1204C>T.

Literature cited by the submitters: PubMed 28185376 (cited by OMIM).

NM_017646.6(TRIT1):c.1256A>C (p.His419Pro)

Gene: TRIT1 (tRNA isopentenyltransferase 1; minus strand). Cytogenetic location: 1p34.2.
Variant type: single nucleotide variant.
Coding change: c.1256A>C on transcript NM_017646.6 (MANE Select); coding-DNA position 1256, A replaced by C.
Protein change: p.His419Pro; replaces histidine 419 with proline.
Molecular consequence: missense variant.
Genome position (GRCh38, 1-based): chr1:39,841,892, T>G on the plus strand (A>C on the coding strand, the complement: TRIT1 is on the minus strand). VCF-style: chr1-39841892-T-G. GRCh37 (hg19) VCF-style: chr1-40307564-T-G.
Other names: c.1178A>C, p.His393Pro (NM_001312691.2); c.1010A>C, p.His337Pro (NM_001312692.2); short protein forms H419P, H393P, H337P.
Identifiers: ClinVar variation 417680 (VCV000417680.2), dbSNP rs566435653, ClinGen allele CA787851.